The following is an entry in ClinVar:

ClinVar aggregate classification (germline): Likely pathogenic (1 of 4 stars; one submission).

Conditions:
Familial hypercholesterolemia. Also called: Familial hypercholesterolaemia. Identifiers: MedGen C0020445, MONDO:0005439.

Submission:

Natera, Inc.
Classification: Likely pathogenic for Familial hypercholesterolemia. Last evaluated: 2024-04-24. Review status: criteria provided, single submitter. Criteria: Natera Variant Classification Schema (03/2026). Collection method: clinical testing. Allele origin: germline.
Comment: The c.509_510delAG variant in LDLRAP1 is a frameshift variant predicted to shift the reading frame beginning at codon 170 and leads to a stop codon 50 codons downstream. This variant is expected to result in nonsense mediated decay, truncation, or a dysfunctional protein product. This variant is rare in the general population with a frequency below the threshold expected for the associated phenotype(s). Given the available evidence, this variant is classified as Likely Pathogenic.

NM_015627.3(LDLRAP1):c.509_510del (p.Glu170fs)

Gene: LDLRAP1 (low density lipoprotein receptor adaptor protein 1; plus strand). Cytogenetic location: 1p36.11.
Variant type: Deletion.
Coding change: c.509_510del on transcript NM_015627.3 (MANE Select); coding-DNA positions 509 to 510, 2 bases deleted (AG; older notation c.509_510delAG).
Protein change: p.Glu170fs; shifts the reading frame from glutamic acid 170.
Molecular consequence: frameshift variant.
Genome position (GRCh38, 1-based): chr1:25,562,693-25,562,694, AG deleted; deleting any 2 consecutive bases within chr1:25,562,692-25,562,694 gives the same sequence; the c. name uses the placement nearest the transcript's 3' end. VCF-style (leftmost placement, unchanged base first): chr1-25562691-TGA-T. GRCh37 (hg19) VCF-style: chr1-25889182-TGA-T.
Other names: short protein forms E170fs.
Identifiers: ClinVar variation 4815877 (VCV004815877.1).